The following is an entry in ClinVar:

NM_020812.4(DOCK6):c.2534C>G (p.Thr845Ser)

Gene: DOCK6 (dedicator of cytokinesis 6; minus strand). Cytogenetic location: 19p13.2.
Variant type: single nucleotide variant.
Coding change: c.2534C>G on transcript NM_020812.4 (MANE Select); coding-DNA position 2534, C replaced by G.
Protein change: p.Thr845Ser; replaces threonine 845 with serine.
Molecular consequence: missense variant.
Genome position (GRCh38, 1-based): chr19:11,235,618, G>C on the plus strand (C>G on the coding strand, the complement: DOCK6 is on the minus strand). VCF-style: chr19-11235618-G-C. GRCh37 (hg19) VCF-style: chr19-11346294-G-C.
Other names: c.2534C>G, p.Thr845Ser (NM_001367830.1); short protein forms T845S.
Identifiers: ClinVar variation 1932436 (VCV001932436.5), dbSNP rs944446829, ClinGen allele CA305330973.

ClinVar aggregate classification (germline): Uncertain significance (1 of 4 stars; one submission).

Allele frequency attached by ClinVar (database versions not stated): gnomAD exomes below 0.00001; TOPMed below 0.00001.
gnomAD v4.1: 2 of 1,598,866 alleles (0.00013%); highest among the groups gnomAD compares: Non-Finnish European, 0.00017%; no homozygotes.

Submission:

Labcorp Genetics (formerly Invitae), Labcorp
Classification: Uncertain significance. Last evaluated: 2022-05-21. Review status: criteria provided, single submitter. Criteria: Invitae Variant Classification Sherloc (09022015). Collection method: clinical testing. Allele origin: germline.
Comment: In summary, the available evidence is currently insufficient to determine the role of this variant in disease. Therefore, it has been classified as a Variant of Uncertain Significance. Algorithms developed to predict the effect of missense changes on protein structure and function (SIFT, PolyPhen-2, Align-GVGD) all suggest that this variant is likely to be tolerated. This variant has not been reported in the literature in individuals affected with DOCK6-related conditions. This variant is not present in population databases (gnomAD no frequency). This sequence change replaces threonine, which is neutral and polar, with serine, which is neutral and polar, at codon 845 of the DOCK6 protein (p.Thr845Ser).